The following is an entry in ClinVar:

NM_020401.4(NUP107):c.352C>T (p.Arg118Cys)

Gene: NUP107 (nucleoporin 107; plus strand). Cytogenetic location: 12q15.
Variant type: single nucleotide variant.
Coding change: c.352C>T on transcript NM_020401.4 (MANE Select); coding-DNA position 352, C replaced by T.
Protein change: p.Arg118Cys; replaces arginine 118 with cysteine.
Molecular consequence: missense variant.
Genome position (GRCh38, 1-based): chr12:68,692,016, C>T. VCF-style: chr12-68692016-C-T. GRCh37 (hg19) VCF-style: chr12-69085796-C-T.
Other names: c.265C>T, p.Arg89Cys (NM_001330192.2); short protein forms R118C, R89C.
Identifiers: ClinVar variation 1500731 (VCV001500731.5), dbSNP rs563617654, ClinGen allele CA6677391.

ClinVar aggregate classification (germline): Uncertain significance. Review status: criteria provided, multiple submitters, no conflicts (2 of 4 stars). 2 submissions from 2 submitters: Uncertain significance (2). Last evaluated 2023-07-10.

Allele frequency attached by ClinVar (database versions not stated): ExAC 0.00002; gnomAD exomes 0.00005 and 0.00012; 1000 Genomes Project 0.00020; 1000 Genomes Project 30x 0.00031; gnomAD 0.00048 and 0.00049; TOPMed 0.00053.
gnomAD v4.1: 151 of 1,606,916 alleles (0.0094%); highest among the groups gnomAD compares: Admixed American, 0.17%; 1 homozygote.

Submissions (2):

Labcorp Genetics (formerly Invitae), Labcorp
Classification: Uncertain significance. Last evaluated: 2023-07-10. Review status: criteria provided, single submitter. Criteria: Invitae Variant Classification Sherloc (09022015). Collection method: clinical testing. Allele origin: germline.
Comment: In summary, the available evidence is currently insufficient to determine the role of this variant in disease. Therefore, it has been classified as a Variant of Uncertain Significance. This sequence change replaces arginine with cysteine at codon 118 of the NUP107 protein (p.Arg118Cys). The arginine residue is moderately conserved and there is a large physicochemical difference between arginine and cysteine. This variant is present in population databases (rs563617654, gnomAD 0.07%). This variant has not been reported in the literature in individuals affected with NUP107-related conditions. ClinVar contains an entry for this variant (Variation ID: 1500731). An algorithm developed to predict the effect of missense changes on protein structure and function (PolyPhen-2) suggests that this variant is likely to be disruptive.

Breakthrough Genomics
Classification: Uncertain significance. Review status: criteria provided, single submitter. Criteria: ACMG Guidelines, 2015. Collection method: not provided. Allele origin: germline. Inheritance: Autosomal recessive inheritance. Affected: yes.